The following is an entry in ClinVar:

NM_182961.4(SYNE1):c.254G>A (p.Arg85Gln)

Gene: SYNE1 (spectrin repeat containing nuclear envelope protein 1; minus strand). Cytogenetic location: 6q25.2.
Variant type: single nucleotide variant.
Coding change: c.254G>A on transcript NM_182961.4 (MANE Select); coding-DNA position 254, G replaced by A.
Protein change: p.Arg85Gln; replaces arginine 85 with glutamine.
Molecular consequence: missense variant.
Genome position (GRCh38, 1-based): chr6:152,520,514, C>T on the plus strand (G>A on the coding strand, the complement: SYNE1 is on the minus strand). VCF-style: chr6-152520514-C-T. GRCh37 (hg19) VCF-style: chr6-152841649-C-T.
Other names: c.254G>A (NM_033071.3); c.254G>A, p.Arg85Gln (NM_033071.5); short protein forms R85Q.
Identifiers: ClinVar variation 598063 (VCV000598063.13), dbSNP rs575386895, ClinGen allele CA4059816.

ClinVar aggregate classification (germline): Uncertain significance. Review status: criteria provided, multiple submitters, no conflicts (2 of 4 stars). 4 submissions from 4 submitters: Uncertain significance (4). Last evaluated 2023-12-11.

Conditions:
Autosomal recessive ataxia, Beauce type. Also called: Spinocerebellar ataxia, autosomal recessive 8; ATAXIA, RECESSIVE, OF BEAUCE; SYNE1 Deficiency; SYNE1-Related Autosomal Recessive Cerebellar Ataxia. Identifiers: Orphanet 88644, MedGen C1853116, MONDO:0012549, OMIM 610743.
Emery-Dreifuss muscular dystrophy 4, autosomal dominant (EDMD4). Also called: EMERY-DREIFUSS MUSCULAR DYSTROPHY 4 WITH VARIABLE FEATURES. Identifiers: Orphanet 261, MedGen C2751807, MONDO:0013071, OMIM 612998.

Allele frequency attached by ClinVar (database versions not stated): TOPMed 0.00003; gnomAD 0.00008 and 0.00009; 1000 Genomes Project 30x 0.00016; 1000 Genomes Project 0.00020; ExAC 0.00001.
gnomAD v4.1: 48 of 1,613,544 alleles (0.003%); highest among the groups gnomAD compares: African/African-American, 0.021%; no homozygotes.

Submissions (4):

Labcorp Genetics (formerly Invitae), Labcorp
Classification: Uncertain significance for Emery-Dreifuss muscular dystrophy 4, autosomal dominant; Autosomal recessive ataxia, Beauce type. Last evaluated: 2023-12-11. Review status: criteria provided, single submitter. Criteria: Invitae Variant Classification Sherloc (09022015). Collection method: clinical testing. Allele origin: germline.
Comment: This sequence change replaces arginine, which is basic and polar, with glutamine, which is neutral and polar, at codon 85 of the SYNE1 protein (p.Arg85Gln). This variant is present in population databases (rs575386895, gnomAD 0.03%). This variant has not been reported in the literature in individuals affected with SYNE1-related conditions. ClinVar contains an entry for this variant (Variation ID: 598063). An algorithm developed to predict the effect of missense changes on protein structure and function (PolyPhen-2) suggests that this variant is likely to be disruptive. In summary, the available evidence is currently insufficient to determine the role of this variant in disease. Therefore, it has been classified as a Variant of Uncertain Significance.

Revvity Omics, Revvity
Classification: Uncertain significance. Last evaluated: 2019-06-17. Review status: criteria provided, single submitter. Criteria: ACMG Guidelines, 2015. Collection method: clinical testing. Allele origin: germline.

Eurofins Ntd Llc (ga)
Classification: Uncertain significance. Last evaluated: 2018-07-19. Review status: criteria provided, single submitter. Criteria: EGL ClinVar v180209 classification definitions. Collection method: clinical testing. Allele origin: germline. Observed: 1 variant allele, 1 heterozygote.

Breakthrough Genomics
Classification: Uncertain significance. Review status: criteria provided, single submitter. Criteria: ACMG Guidelines, 2015. Collection method: not provided. Allele origin: germline. Inheritance: Autosomal recessive inheritance. Affected: yes.